The following is an entry in ClinVar:

ClinVar aggregate classification (germline): Uncertain significance (1 of 4 stars; one submission).

Conditions:
Arrhythmogenic right ventricular dysplasia 13. Also called: Arrhythmogenic right ventricular dysplasia, familial, 13; ARRHYTHMOGENIC RIGHT VENTRICULAR CARDIOMYOPATHY 13. Identifiers: MedGen C3810138, MONDO:0000908, OMIM 615616.

Allele frequency attached by ClinVar (database versions not stated): gnomAD exomes below 0.00001.
gnomAD v4.1: 1 of 1,612,546 alleles (0.000062%); highest among the groups gnomAD compares: Non-Finnish European, 0.000085%; no homozygotes.

Submission:

Labcorp Genetics (formerly Invitae), Labcorp
Classification: Uncertain significance for Arrhythmogenic right ventricular dysplasia 13. Last evaluated: 2019-08-20. Review status: criteria provided, single submitter. Criteria: Invitae Variant Classification Sherloc (09022015). Collection method: clinical testing. Allele origin: germline.
Comment: This sequence change replaces leucine with methionine at codon 181 of the CTNNA3 protein (p.Leu181Met). The leucine residue is moderately conserved and there is a small physicochemical difference between leucine and methionine. This variant is not present in population databases (ExAC no frequency). This variant has not been reported in the literature in individuals with CTNNA3-related conditions. Algorithms developed to predict the effect of missense changes on protein structure and function are either unavailable or do not agree on the potential impact of this missense change (SIFT: "Tolerated"; PolyPhen-2: "Possibly Damaging"; Align-GVGD: "Class C0"). In summary, the available evidence is currently insufficient to determine the role of this variant in disease. Therefore, it has been classified as a Variant of Uncertain Significance.

NM_013266.4(CTNNA3):c.541C>A (p.Leu181Met)

Gene: CTNNA3 (catenin alpha 3; minus strand). Cytogenetic location: 10q21.3.
Variant type: single nucleotide variant.
Coding change: c.541C>A on transcript NM_013266.4 (MANE Select); coding-DNA position 541, C replaced by A.
Protein change: p.Leu181Met; replaces leucine 181 with methionine.
Molecular consequence: missense variant.
Genome position (GRCh38, 1-based): chr10:67,521,880, G>T on the plus strand (C>A on the coding strand, the complement: CTNNA3 is on the minus strand). VCF-style: chr10-67521880-G-T. GRCh37 (hg19) VCF-style: chr10-69281638-G-T.
Other names: c.541C>A, p.Leu181Met (NM_001127384.3); c.577C>A, p.Leu193Met (NM_001291133.2); short protein forms L181M, L193M.
Identifiers: ClinVar variation 961323 (VCV000961323.9), dbSNP rs1839998542, ClinGen allele CA377097506.